The following is an entry in ClinVar:

NM_001849.4(COL6A2):c.2249G>A (p.Arg750His)

Gene: COL6A2 (collagen type VI alpha 2 chain; plus strand). Cytogenetic location: 21q22.3.
Variant type: single nucleotide variant.
Coding change: c.2249G>A on transcript NM_001849.4 (MANE Select); coding-DNA position 2249, G replaced by A.
Protein change: p.Arg750His; replaces arginine 750 with histidine.
Molecular consequence: missense variant.
Genome position (GRCh38, 1-based): chr21:46,126,064, G>A. VCF-style: chr21-46126064-G-A. GRCh37 (hg19) VCF-style: chr21-47545978-G-A.
Other names: c.2249G>A, p.Arg750His (NM_058174.3, NM_058175.3); short protein forms R750H.
Identifiers: ClinVar variation 2037591 (VCV002037591.5), dbSNP rs779058606, ClinGen allele CA10072484.
Genomic context (GRCh38, chr21:46,126,064, plus strand): 5'-TCACGGACGGGCGCCACGACCCTCGGGACGATGACCTCAACTTGCGGGCGCTGTGCGACC[G>A]CGACGTCACAGTGACGGCCATCGGCATCGGGGACATGTTCCACGAGAAGCACGAGAGTGA-3'
Protein context (NP_001840.3, residues 740-760): DDLNLRALCD[Arg750His]DVTVTAIGIG

ClinVar aggregate classification (germline): Conflicting classifications of pathogenicity. Review status: criteria provided, conflicting classifications (1 of 4 stars). 2 submissions from 2 submitters: Uncertain significance (1); Likely benign (1). Last evaluated 2025-09-18.

Conditions:
Bethlem myopathy 1A. Also called: MYOPATHY, BENIGN CONGENITAL, WITH CONTRACTURES; Bethlem Muscular Dystrophy; Bethlem myopathy 1. Identifiers: Orphanet 610, MedGen CN029274, MONDO:0024530, OMIM 158810.
Inborn genetic diseases. Identifiers: MedGen C0950123, MeSH D030342.

Allele frequency attached by ClinVar (database versions not stated): ExAC 0.00001; gnomAD 0.00001; TOPMed 0.00001; gnomAD exomes 0.00002.
gnomAD v4.1: 32 of 1,612,864 alleles (0.002%); highest among the groups gnomAD compares: East Asian, 0.031%; no homozygotes.

Submissions (2):

Labcorp Genetics (formerly Invitae), Labcorp
Classification: Uncertain significance for Bethlem myopathy 1A. Last evaluated: 2025-09-18. Review status: criteria provided, single submitter. Criteria: Invitae Variant Classification Sherloc (09022015). Collection method: clinical testing. Allele origin: germline.
Comment: This sequence change replaces arginine, which is basic and polar, with histidine, which is basic and polar, at codon 750 of the COL6A2 protein (p.Arg750His). This variant is present in population databases (rs779058606, gnomAD 0.009%). This variant has not been reported in the literature in individuals affected with COL6A2-related conditions. ClinVar contains an entry for this variant (Variation ID: 2037591). Invitae Evidence Modeling of protein sequence and biophysical properties (such as structural, functional, and spatial information, amino acid conservation, physicochemical variation, residue mobility, and thermodynamic stability) indicates that this missense variant is not expected to disrupt COL6A2 protein function with a negative predictive value of 80%. In summary, the available evidence is currently insufficient to determine the role of this variant in disease. Therefore, it has been classified as a Variant of Uncertain Significance.

Ambry Genetics
Classification: Likely benign for Inborn genetic diseases. Last evaluated: 2024-06-19. Review status: criteria provided, single submitter. Criteria: Ambry Variant Classification Scheme 2023. Collection method: clinical testing. Allele origin: germline.